The following is an entry in ClinVar:

ClinVar aggregate classification (germline): Uncertain significance (1 of 4 stars; one submission).

Conditions:
Inborn genetic diseases. Identifiers: MedGen C0950123, MeSH D030342.

Submission:

Ambry Genetics
Classification: Uncertain significance for Inborn genetic diseases. Last evaluated: 2025-05-03. Review status: criteria provided, single submitter. Criteria: Ambry Variant Classification Scheme 2023. Collection method: clinical testing. Allele origin: germline.
Comment: The p.D30G variant (also known as c.89A>G), located in coding exon 2 of the DDX41 gene, results from an A to G substitution at nucleotide position 89. The aspartic acid at codon 30 is replaced by glycine, an amino acid with similar properties. This amino acid position is conserved. In addition, this alteration is predicted to be tolerated by in silico analysis. Based on the available evidence, the clinical significance of this variant remains unclear.

NM_016222.4(DDX41):c.89A>G (p.Asp30Gly)

Gene: DDX41 (DEAD-box helicase 41; minus strand). Cytogenetic location: 5q35.3.
Variant type: single nucleotide variant.
Coding change: c.89A>G on transcript NM_016222.4 (MANE Select); coding-DNA position 89, A replaced by G.
Protein change: p.Asp30Gly; replaces aspartic acid 30 with glycine.
Molecular consequence: missense variant. On other transcripts: 5 prime UTR variant (2).
Genome position (GRCh38, 1-based): chr5:177,516,774, T>C on the plus strand (A>G on the coding strand, the complement: DDX41 is on the minus strand). VCF-style: chr5-177516774-T-C. GRCh37 (hg19) VCF-style: chr5-176943775-T-C.
Other names: c.-567A>G (NM_001321732.2); c.-359A>G (NM_001321830.2); short protein forms D30G.
Identifiers: ClinVar variation 4010343 (VCV004010343.1).